The following is an entry in ClinVar:

NM_000330.4(RS1):c.520del (p.Arg174fs)

Genes: CDKL5 (cyclin dependent kinase like 5; plus strand), RS1 (retinoschisin 1; minus strand). Cytogenetic location: Xp22.13.
Variant type: Deletion.
Coding change: c.520del on transcript NM_000330.4 (MANE Select); coding-DNA position 520, one base deleted (C; older notation c.520delC).
Protein change: p.Arg174fs; shifts the reading frame from arginine 174.
Molecular consequence: frameshift variant. On other transcripts: intron variant (2).
Genome position (GRCh38, 1-based): chrX:18,644,432, G deleted on the plus strand (C on the coding strand, the reverse complement: RS1 is on the minus strand); the first of 2 consecutive G bases (chrX:18,644,432-18,644,433); deleting either gives the same sequence. VCF-style (leftmost placement, unchanged base first): chrX-18644431-CG-C. GRCh37 (hg19) VCF-style: chrX-18662551-CG-C.
Other names: NM_000330.4(RS1):c.520del; p.Arg174fs; c.520delC (NM_000330.3); c.519delC, p.Arg174Glyfs (NM_000330.3); c.2714-1574del (NM_003159.3, NM_001037343.2); short protein forms R174fs.
Identifiers: ClinVar variation 279886 (VCV000279886.15), dbSNP rs886041235, ClinGen allele CA10603553.

ClinVar aggregate classification (germline): Pathogenic. Review status: reviewed by expert panel (3 of 4 stars). 5 submissions from 5 submitters: Pathogenic (1). 4 of the submissions do not count toward it. Last evaluated 2025-05-19.

Conditions:
RS1-related disorder. Also called: RS1-related condition.
Juvenile retinoschisis (RS1). Also called: X-linked retinoschisis; X-Linked Juvenile Retinoschisis. Identifiers: Orphanet 792, MedGen C3714753, MONDO:0010725, OMIM 312700.

Submissions (5):

ClinGen X-linked Inherited Retinal Disease Variant Curation Expert Panel, ClinGen
Classification: Pathogenic for Juvenile retinoschisis. Last evaluated: 2025-05-19. Review status: reviewed by expert panel. Criteria: ClinGen X LinkedIRD ACMG Specifications RS1 V1.0.0. Collection method: curation. Allele origin: germline. Inheritance: X-linked inheritance.
Comment: The NM_000330.4(RS1):c.520del variant is a frameshift variant due to 1 nucleotide deletion introducing a premature stop codon and causing a truncated protein. This variant is absent from hemizygous individuals in gnomAD v4.1.0 (PM2_Supporting). This is a frameshift variant that introduces a premature stop codon between amino acids 1-223 that is predicted to either trigger nonsense-mediated decay or to disrupt a critical C-terminal region required for proper multimerization of RS1 (PVS1, PMID: 19849666). This variant has been reported in at least 2 apparently unrelated probands meeting the PS4 requirement of a male diagnosed with X-linked retinoschisis (PMIDs: 30551202, 17852193, PS4_Supporting). In summary, this variant is classified as pathogenic for X-linked retinoschisis based on the ClinGen X-linked Inherited Retinal Disease Expert Panel Specifications to the ACMG/AMP Variant Interpretation Guidelines for RS1 Version 1.0.0: PM2_supporting, PVS1, and PS4_supporting (date of approval 01/24/2025).

PreventionGenetics, part of Exact Sciences
Classification: Pathogenic for RS1-related condition. Last evaluated: 2026-08-05. Review status: criteria provided, single submitter. Criteria: ACMG Guidelines, 2015. Collection method: clinical testing. Allele origin: germline. Not counted in ClinVar's aggregate classification.
Comment: The RS1 c.520delC variant is predicted to result in a frameshift and premature protein termination (p.Arg174Glyfs*63). This variant has been reported in multiple individuals with juvenile retinoschisis (Bender et al. 2022. PubMed ID: 35456481; Zeng et al. 2007. PubMed ID: 17852193). This variant is absent in a large population database, indicating this variant is rare. Frameshift variants in RS1 are an established mechanism of disease. This variant is interpreted as pathogenic.

Labcorp Genetics (formerly Invitae), Labcorp
Classification: Pathogenic. Last evaluated: 2025-09-24. Review status: criteria provided, single submitter. Criteria: Invitae Variant Classification Sherloc (09022015). Collection method: clinical testing. Allele origin: germline. Not counted in ClinVar's aggregate classification.
Comment: This sequence change is expected to alter the c-terminus of the RS1 protein (p.Arg174Glyfs*63). While this is not anticipated to result in nonsense mediated decay, it is expected to disrupt the last 51 amino acid(s) of the RS1 protein and extend the protein by 11 additional amino acid residues. This variant is not present in population databases (gnomAD no frequency). This frameshift has been observed in individual(s) with X-linked juvenile retinoschisis (PMID: 17852193). ClinVar contains an entry for this variant (Variation ID: 279886). This variant results in an extension of the RS1 protein. Other variant(s) that result in a similarly extended protein product (p.Ile194Serfs*43) have been determined to be pathogenic (PMID: 15932525, 23568735, 29851975; internal data). This suggests that these extensions are likely to be disease-causing. For these reasons, this variant has been classified as Pathogenic.

Blueprint Genetics
Classification: Pathogenic for RS1-related disorders. Last evaluated: 2022-08-23. Review status: criteria provided, single submitter. Criteria: ACMG Guidelines, 2015. Collection method: clinical testing. Allele origin: germline. Affected: yes. Observed: 4 variant alleles. Not counted in ClinVar's aggregate classification.

GeneDx
Classification: Pathogenic. Last evaluated: 2020-01-31. Review status: criteria provided, single submitter. Criteria: GeneDx Variant Classification Process June 2021. Collection method: clinical testing. Allele origin: germline. Affected: yes. Not counted in ClinVar's aggregate classification.
Comment: Frameshift variant predicted to result in protein truncation, as the last 51 amino acids are replaced with 62 different amino acids, and other loss-of-function variants have been reported downstream in the Human Gene Mutation Database (Stenson et al., 2014); Not observed in large population cohorts (Lek et al., 2016); This variant is associated with the following publications: (PMID: 17852193)

Literature cited by the submitters: PubMed 17852193 (cited by Labcorp Genetics (formerly Invitae), Labcorp); PubMed 15932525 (cited by Labcorp Genetics (formerly Invitae), Labcorp); PubMed 23568735 (cited by Labcorp Genetics (formerly Invitae), Labcorp); PubMed 29851975 (cited by Labcorp Genetics (formerly Invitae), Labcorp).